The following is an entry in ClinVar:

ClinVar aggregate classification (germline): Likely benign. Review status: criteria provided, multiple submitters, no conflicts (2 of 4 stars). 3 submissions from 3 submitters: Likely benign (3). Last evaluated 2022-01-08.

Conditions:
Koolen-de Vries syndrome (KDVS). Identifiers: Orphanet 96169, MedGen C1864871, MONDO:0012496, OMIM 610443.

Allele frequency attached by ClinVar (database versions not stated): gnomAD 0.00001; gnomAD exomes 0.00001; ExAC 0.00003.
gnomAD v4.1: 13 of 1,584,986 alleles (0.00082%); highest among the groups gnomAD compares: Middle Eastern, 0.017%; no homozygotes.

Submissions (3):

Fulgent Genetics
Classification: Likely benign for Koolen-de Vries syndrome. Last evaluated: 2022-01-08. Review status: criteria provided, single submitter. Criteria: ACMG Guidelines, 2015. Collection method: clinical testing. Allele origin: unknown.

Labcorp Genetics (formerly Invitae), Labcorp
Classification: Likely benign for Koolen-de Vries syndrome. Last evaluated: 2021-09-02. Review status: criteria provided, single submitter. Criteria: Invitae Variant Classification Sherloc (09022015). Collection method: clinical testing. Allele origin: germline.

GeneDx
Classification: Likely benign. Last evaluated: 2017-05-26. Review status: criteria provided, single submitter. Criteria: GeneDx Variant Classification (06012015). Collection method: clinical testing. Allele origin: germline. Affected: yes.
Comment: This variant is considered likely benign or benign based on one or more of the following criteria: it is a conservative change, it occurs at a poorly conserved position in the protein, it is predicted to be benign by multiple in silico algorithms, and/or has population frequency not consistent with disease.

NM_015443.4(KANSL1):c.1289+9A>C

Gene: KANSL1 (KAT8 regulatory NSL complex subunit 1). Cytogenetic location: 17q21.31.
Variant type: single nucleotide variant.
Coding change: c.1289+9A>C on transcript NM_015443.4 (MANE Select); 9 bases into the intron after coding-DNA position 1289, A replaced by C.
Molecular consequence: intron variant.
Genome position (GRCh38, 1-based): chr17:46,170,846, T>G on the plus strand (A>C on the coding strand, the complement: KANSL1 is on the minus strand). VCF-style: chr17-46170846-T-G. GRCh37 (hg19) VCF-style: chr17-44248212-T-G.
Other names: c.1289+9A>C (NM_001193465.2, NM_001379198.1, NM_001193466.2).
Identifiers: ClinVar variation 386734 (VCV000386734.10), dbSNP rs760002592, ClinGen allele CA8618864.